The following is an entry in ClinVar:

ClinVar aggregate classification (germline): Likely pathogenic (1 of 4 stars; one submission).

Submission:

Labcorp Genetics (formerly Invitae), Labcorp
Classification: Likely pathogenic. Last evaluated: 2025-12-01. Review status: criteria provided, single submitter. Criteria: Invitae Variant Classification Sherloc (09022015). Collection method: clinical testing. Allele origin: germline.
Comment: This sequence change affects a donor splice site in intron 1 of the IARS2 gene. It is expected to disrupt RNA splicing. Variants that disrupt the donor or acceptor splice site typically lead to a loss of protein function (PMID: 16199547), and loss-of-function variants in IARS2 are known to be pathogenic (PMID: 33327715). This variant is not present in population databases (gnomAD no frequency). This variant has not been reported in the literature in individuals affected with IARS2-related conditions. ClinVar contains an entry for this variant (Variation ID: 1371228). Algorithms developed to predict the effect of sequence changes on RNA splicing suggest that this variant may disrupt the consensus splice site. In summary, the currently available evidence indicates that the variant is pathogenic, but additional data are needed to prove that conclusively. Therefore, this variant has been classified as Likely Pathogenic.

Literature cited by the submitters: PubMed 16199547; PubMed 33327715.

NM_018060.4(IARS2):c.267+2T>A

Gene: IARS2 (isoleucyl-tRNA synthetase 2, mitochondrial; plus strand). Cytogenetic location: 1q41.
Variant type: single nucleotide variant.
Coding change: c.267+2T>A on transcript NM_018060.4 (MANE Select); the canonical splice donor site of the intron after coding-DNA position 267, T replaced by A.
Molecular consequence: splice donor variant.
Genome position (GRCh38, 1-based): chr1:220,094,485, T>A. VCF-style: chr1-220094485-T-A. GRCh37 (hg19) VCF-style: chr1-220267827-T-A.
Identifiers: ClinVar variation 1371228 (VCV001371228.8), dbSNP rs2102814284, ClinGen allele CA344620032.